The following is an entry in ClinVar:

ClinVar aggregate classification (germline): Pathogenic (1 of 4 stars; one submission).

Conditions:
Niemann-Pick disease, type C1. Also called: NIEMANN-PICK DISEASE, VARIANT TYPE C1; NEUROVISCERAL STORAGE DISEASE WITH VERTICAL SUPRANUCLEAR OPHTHALMOPLEGIA; NIEMANN-PICK DISEASE WITH CHOLESTEROL ESTERIFICATION BLOCK; NIEMANN-PICK DISEASE WITHOUT SPHINGOMYELINASE DEFICIENCY; NIEMANN-PICK DISEASE, CHRONIC NEURONOPATHIC FORM. Identifiers: Orphanet 646, MedGen C3179455, MONDO:0009757, OMIM 257220.

Submission:

Payam Genetics Center, General Welfare Department of North Khorasan Province
Classification: Pathogenic for Niemann-Pick disease, type C1. Last evaluated: 2023-03-01. Review status: criteria provided, single submitter. Criteria: ACMG Guidelines, 2015. Collection method: clinical testing. Allele origin: germline. Affected: yes. Observed: 1 variant allele.
Comment: The NPC1 c.2740T>A mutation (p.Cys914Ser) is a missense mutation and its result is a dysfunctional protein, predicted lead to Nimman-Pike disease type C1.This variant is not present in population databases (ExAC no frequency) and was not found in 1000G, Genom AD exome, genome and Iranom. This variant has not been reported in the literature in individuals affected with NPC1-related conditions . This variant predicted as Pathogenic according to ACMG.

NM_000271.5(NPC1):c.2740T>A (p.Cys914Ser)

Gene: NPC1 (NPC intracellular cholesterol transporter 1; minus strand). Cytogenetic location: 18q11.2.
Variant type: single nucleotide variant.
Coding change: c.2740T>A on transcript NM_000271.5 (MANE Select); coding-DNA position 2740, T replaced by A.
Protein change: p.Cys914Ser; replaces cysteine 914 with serine.
Molecular consequence: missense variant.
Genome position (GRCh38, 1-based): chr18:23,539,866, A>T on the plus strand (T>A on the coding strand, the complement: NPC1 is on the minus strand). VCF-style: chr18-23539866-A-T. GRCh37 (hg19) VCF-style: chr18-21119830-A-T.
Other names: short protein forms C914S.
Identifiers: ClinVar variation 2506522 (VCV002506522.2), dbSNP rs2511213538, ClinGen allele CA401792752.